The following is an entry in ClinVar:

NM_003901.4(SGPL1):c.366C>G (p.Ser122Arg)

Gene: SGPL1 (sphingosine-1-phosphate lyase 1; plus strand). Cytogenetic location: 10q22.1.
Variant type: single nucleotide variant.
Coding change: c.366C>G on transcript NM_003901.4 (MANE Select); coding-DNA position 366, C replaced by G.
Protein change: p.Ser122Arg; replaces serine 122 with arginine.
Molecular consequence: missense variant.
Genome position (GRCh38, 1-based): chr10:70,854,812, C>G. VCF-style: chr10-70854812-C-G. GRCh37 (hg19) VCF-style: chr10-72614569-C-G.
Other names: short protein forms S122R.
Identifiers: ClinVar variation 2078765 (VCV002078765.2), dbSNP rs2492759212, ClinGen allele CA377117987.

ClinVar aggregate classification (germline): Uncertain significance (1 of 4 stars; one submission).

Allele frequency attached by ClinVar (database versions not stated): gnomAD exomes below 0.00001.
gnomAD v4.1: 3 of 1,613,616 alleles (0.00019%); highest among the groups gnomAD compares: Non-Finnish European, 0.00025%; no homozygotes.

Submission:

Labcorp Genetics (formerly Invitae), Labcorp
Classification: Uncertain significance. Last evaluated: 2022-06-18. Review status: criteria provided, single submitter. Criteria: Invitae Variant Classification Sherloc (09022015). Collection method: clinical testing. Allele origin: germline.
Comment: In summary, the available evidence is currently insufficient to determine the role of this variant in disease. Therefore, it has been classified as a Variant of Uncertain Significance. Algorithms developed to predict the effect of missense changes on protein structure and function are either unavailable or do not agree on the potential impact of this missense change (SIFT: "Tolerated"; PolyPhen-2: "Possibly Damaging"; Align-GVGD: "Class C0"). This variant has not been reported in the literature in individuals affected with SGPL1-related conditions. This variant is not present in population databases (gnomAD no frequency). This sequence change replaces serine, which is neutral and polar, with arginine, which is basic and polar, at codon 122 of the SGPL1 protein (p.Ser122Arg).